The following is an entry in ClinVar:

ClinVar aggregate classification (germline): Pathogenic (1 of 4 stars; one submission).

Conditions:
Cardiovascular phenotype. Identifiers: MedGen CN230736.

Submission:

Ambry Genetics
Classification: Pathogenic for Cardiovascular phenotype. Last evaluated: 2017-08-31. Review status: criteria provided, single submitter. Criteria: Ambry Variant Classification Scheme 2023. Collection method: clinical testing. Allele origin: germline.
Comment: The p.Y54* pathogenic mutation (also known as c.162C>G), located in coding exon 2 of the KCNH2 gene, results from a C to G substitution at nucleotide position 162. This changes the amino acid from a tyrosine to a stop codon within coding exon 2. This alteration is expected to result in loss of function by premature protein truncation or nonsense-mediated mRNA decay. As such, this alteration is interpreted as a disease-causing mutation.

NM_000238.4(KCNH2):c.162C>G (p.Tyr54Ter)

Gene: KCNH2 (potassium voltage-gated channel subfamily H member 2; minus strand). Cytogenetic location: 7q36.1.
Variant type: single nucleotide variant.
Coding change: c.162C>G on transcript NM_000238.4 (MANE Select); coding-DNA position 162, C replaced by G.
Protein change: p.Tyr54Ter; replaces tyrosine 54 with a stop codon.
Molecular consequence: nonsense.
Genome position (GRCh38, 1-based): chr7:150,974,856, G>C on the plus strand (C>G on the coding strand, the complement: KCNH2 is on the minus strand). VCF-style: chr7-150974856-G-C. GRCh37 (hg19) VCF-style: chr7-150671944-G-C.
Other names: c.-16C>G (NM_001406755.1); c.162C>G, p.Tyr54Ter (NM_172056.3); short protein forms Y54*.
Identifiers: ClinVar variation 519501 (VCV000519501.7), dbSNP rs1554430962, ClinGen allele CA369865774.